The following is an entry in ClinVar:

ClinVar aggregate classification (germline): Pathogenic (1 of 4 stars; one submission).

Conditions:
Developmental and epileptic encephalopathy, 34 (DEE34). Also called: Early infantile epileptic encephalopathy 34; SLC12A5-Related Epilepsy of Infancy with Migrating Focal Seizures. Identifiers: Orphanet 293181, MedGen C4225257, MONDO:0014718, OMIM 616645.

Submission:

Labcorp Genetics (formerly Invitae), Labcorp
Classification: Pathogenic for Developmental and epileptic encephalopathy, 34. Last evaluated: 2022-07-12. Review status: criteria provided, single submitter. Criteria: Invitae Variant Classification Sherloc (09022015). Collection method: clinical testing. Allele origin: germline.
Comment: For these reasons, this variant has been classified as Pathogenic. ClinVar contains an entry for this variant (Variation ID: 1073166). This variant has not been reported in the literature in individuals affected with SLC12A5-related conditions. This variant is not present in population databases (gnomAD no frequency). This sequence change creates a premature translational stop signal (p.Trp830*) in the SLC12A5 gene. It is expected to result in an absent or disrupted protein product. Loss-of-function variants in SLC12A5 are known to be pathogenic (PMID: 26333769, 27436767).

Literature cited by the submitters: PubMed 26333769; PubMed 27436767.

NM_020708.5(SLC12A5):c.2490G>A (p.Trp830Ter)

Gene: SLC12A5 (solute carrier family 12 member 5; plus strand). Cytogenetic location: 20q13.12.
Variant type: single nucleotide variant.
Coding change: c.2490G>A on transcript NM_020708.5 (MANE Select); coding-DNA position 2490, G replaced by A.
Protein change: p.Trp830Ter; replaces tryptophan 830 with a stop codon.
Molecular consequence: nonsense.
Genome position (GRCh38, 1-based): chr20:46,053,069, G>A. VCF-style: chr20-46053069-G-A. GRCh37 (hg19) VCF-style: chr20-44681708-G-A.
Other names: c.2559G>A, p.Trp853Ter (NM_001134771.2); short protein forms W830*, W853*.
Identifiers: ClinVar variation 1073166 (VCV001073166.7), dbSNP rs2145503665, ClinGen allele CA409205129.